The following is an entry in ClinVar:

ClinVar aggregate classification (germline): Uncertain significance (3 of 4 stars; one submission).

Conditions:
AIPL1-related retinopathy. Also called: AIPL1 retinopathy. Identifiers: MedGen CN305590, MONDO:0100438.

Submission:

ClinGen Leber Congenital Amaurosis/early Onset Retinal Dystrophy Variant Curation Expert Panel, ClinGen
Classification: Uncertain significance for AIPL1-related retinopathy. Last evaluated: 2025-09-29. Review status: reviewed by expert panel. Criteria: ClinGen LCAeoRD ACMG Specifications AIPL1 V1.0.0. Collection method: curation. Allele origin: germline. Inheritance: Autosomal recessive inheritance.
Comment: NM_014336.5(AIPL1):c.1127del (p.Pro376ArgfsTer?) is a frameshift variant that introduces a premature stop codon between positions 338 and 384 of AIPL1 that is predicted not to trigger nonsense-mediated decay but rather to C-terminally truncate part of the protein product that has not yet been functionally characterized (PVS1_Strong). This variant is present in gnomAD v.4.1.0 at a total allele frequency of 0.000002494, with 4 alleles / 1,603,842 total alleles, which is lower than the ClinGen LCA/eoRD VCEP PM2_Supporting threshold of <0.0004 (PM2_Supporting). The variant has been reported in one proband with a potentially compatible diagnosis (VCEP member-provided data, Blueprint Genetics) who was compound heterozygous with the NM_014336.5(AIPL1):c.211G>T (p.Val71Phe) suspected in trans, which has been classified as likely pathogenic by the ClinGen LCA/eoRD VCEP. However, the reported phenotype details are not sufficient for inclusion in PM3. In summary, this variant meets the criteria to be classified as a Variant of Uncertain Significance for AIPL1-related retinopathy based on the ACMG/AMP criteria applied, as specified by the ClinGen LCA/eoRD VCEP: PVS1_Strong and PM2_Supporting. (VCEP specifications version 1.0.0; date of approval 09/24/2025).

NM_014336.5(AIPL1):c.1127del (p.Pro376fs)

Gene: AIPL1 (AIP like 1 HSP90 co-chaperone; minus strand). Cytogenetic location: 17p13.2.
Variant type: Deletion.
Coding change: c.1127del on transcript NM_014336.5 (MANE Select); coding-DNA position 1127, one base deleted (C; older notation c.1127delC).
Protein change: p.Pro376fs; shifts the reading frame from proline 376.
Molecular consequence: frameshift variant. On other transcripts: 3 prime UTR variant (1).
Genome position (GRCh38, 1-based): chr17:6,425,488, G deleted on the plus strand (C on the coding strand, the reverse complement: AIPL1 is on the minus strand); the first of 5 consecutive G bases (chr17:6,425,488-6,425,492); deleting any one gives the same sequence. VCF-style (leftmost placement, unchanged base first): chr17-6425487-CG-C. GRCh37 (hg19) VCF-style: chr17-6328807-CG-C.
Other names: NM_001285403.4:c.*1098del; c.938del, p.Pro313fs (NM_001033054.3); c.947del, p.Pro316fs (NM_001033055.3); c.1091del, p.Pro364fs (NM_001285399.3); c.1061del, p.Pro354fs (NM_001285400.3); c.1055del, p.Pro352fs (NM_001285401.3); c.1010del, p.Pro337fs (NM_001285402.2); c.*1098del (NM_001285403.4); short protein forms P313fs, P316fs, P337fs, P352fs, P354fs, P364fs, P376fs.
Identifiers: ClinVar variation 4087768 (VCV004087768.1).
Genomic context (GRCh38, chr17:6,425,487, plus strand): 5'-TCCCTGCCTGGGTGGCTGTGGGCCTCAGGGGGCTCAGTGCTGCAGCGAGTGCCCTGGGGA[CG>C]GGGGTGGCTCTGTGGCTGGCTCTGCAGGGGGCCCTGCGGACAGCTCTGCAGATGGTGCTG-3'